The following is an entry in ClinVar:

ClinVar aggregate classification (germline): Conflicting classifications of pathogenicity. Review status: criteria provided, conflicting classifications (1 of 4 stars). 11 submissions from 10 submitters: Uncertain significance (4); Likely benign (6). 1 of the submissions does not count toward it. Last evaluated 2026-05-20.

Conditions:
HSPG2-related disorder. Also called: HSPG2-related condition; HSPG2-related disorders.
Inborn genetic diseases. Identifiers: MedGen C0950123, MeSH D030342.
Lethal Kniest-like syndrome (DDSH). Also called: Dyssegmental Dysplasia. Identifiers: Orphanet 1865, MedGen C1857100, MONDO:0009140, OMIM 224410.
Schwartz-Jampel syndrome. Also called: Myotonic myopathy dwarfism chondrodystrophy and ocular and facial abnormalities. Identifiers: Orphanet 800, MedGen C0036391, MONDO:0009717.

Allele frequency attached by ClinVar (database versions not stated): gnomAD exomes 0.00020 and 0.00034; ExAC 0.00027; ESP Exome Variant Server 0.00038; gnomAD 0.00046; 1000 Genomes Project 30x 0.00062; TOPMed 0.00062; 1000 Genomes Project 0.00080.
gnomAD v4.1: 392 of 1,613,184 alleles (0.024%); highest among the groups gnomAD compares: African/African-American, 0.15%; 3 homozygotes.

Submissions (11):

Women's Health and Genetics/Laboratory Corporation of America, LabCorp
Classification: Likely benign. Last evaluated: 2026-05-20. Review status: criteria provided, single submitter. Criteria: LabCorp Variant Classification Summary - May 2015. Collection method: clinical testing. Allele origin: germline.
Comment: Variant summary: HSPG2 c.8605G>C (p.Ala2869Pro) results in a non-conservative amino acid change in the encoded protein sequence. Algorithms developed to predict the effect of missense changes on protein structure and function are either unavailable or do not agree on the potential impact of this missense change. The variant allele was found at a frequency of 0.00034 in 251064 control chromosomes including 2 homozygotes, predominantly at a frequency of 0.0011 within the African or African-American subpopulation in the gnomAD database. To our knowledge, no occurrence of c.8605G>C in individuals affected with HSPG2-related conditions and no experimental evidence demonstrating its impact on protein function have been reported. ClinVar contains an entry for this variant (Variation ID: 284843). Based on the evidence outlined above, the variant was classified as likely benign.

Labcorp Genetics (formerly Invitae), Labcorp
Classification: Likely benign. Last evaluated: 2025-12-18. Review status: criteria provided, single submitter. Criteria: Invitae Variant Classification Sherloc (09022015). Collection method: clinical testing. Allele origin: germline.

Blueprint Genetics
Classification: Likely benign. Last evaluated: 2024-11-14. Review status: criteria provided, single submitter. Criteria: ACMG Guidelines, 2015. Collection method: clinical testing. Allele origin: germline.

Athena Diagnostics
Classification: Likely benign. Last evaluated: 2024-10-07. Review status: criteria provided, single submitter. Criteria: Athena Diagnostics Criteria. Collection method: clinical testing. Allele origin: unknown.

Ambry Genetics
Classification: Likely benign for Inborn genetic diseases. Last evaluated: 2022-03-10. Review status: criteria provided, single submitter. Criteria: Ambry Variant Classification Scheme 2023. Collection method: clinical testing. Allele origin: germline.

Revvity Omics, Revvity
Classification: Uncertain significance. Last evaluated: 2021-09-14. Review status: criteria provided, single submitter. Criteria: ACMG Guidelines, 2015. Collection method: clinical testing. Allele origin: germline.

GeneDx
Classification: Likely benign. Last evaluated: 2020-07-30. Review status: criteria provided, single submitter. Criteria: GeneDx Variant Classification Process June 2021. Collection method: clinical testing. Allele origin: germline. Affected: yes.

Illumina Laboratory Services, Illumina
Classification: Uncertain significance for Schwartz-Jampel syndrome type 1. Last evaluated: 2018-01-13. Review status: criteria provided, single submitter. Criteria: ICSL Variant Classification Criteria 13 December 2019. Collection method: clinical testing. Allele origin: germline.

Illumina Laboratory Services, Illumina
Classification: Uncertain significance for Lethal Kniest-like syndrome. Last evaluated: 2018-01-13. Review status: criteria provided, single submitter. Criteria: ICSL Variant Classification Criteria 13 December 2019. Collection method: clinical testing. Allele origin: germline.

Eurofins Ntd Llc (ga)
Classification: Uncertain significance. Last evaluated: 2016-06-28. Review status: criteria provided, single submitter. Criteria: EGL Classification Definitions 2015. Collection method: clinical testing. Allele origin: germline. Observed: 3 variant alleles, 3 heterozygotes.

PreventionGenetics, part of Exact Sciences
Classification: Likely benign for HSPG2-related condition. Last evaluated: 2022-12-28. Review status: no assertion criteria provided. Collection method: clinical testing. Allele origin: germline. Not counted in ClinVar's aggregate classification.
Comment: This variant is classified as likely benign based on ACMG/AMP sequence variant interpretation guidelines (Richards et al. 2015 PMID: 25741868, with internal and published modifications).

NM_005529.7(HSPG2):c.8605G>C (p.Ala2869Pro)

Gene: HSPG2 (heparan sulfate proteoglycan 2; minus strand). Cytogenetic location: 1p36.12.
Variant type: single nucleotide variant.
Coding change: c.8605G>C on transcript NM_005529.7 (MANE Select); coding-DNA position 8605, G replaced by C.
Protein change: p.Ala2869Pro; replaces alanine 2869 with proline.
Molecular consequence: missense variant.
Genome position (GRCh38, 1-based): chr1:21,844,159, C>G on the plus strand (G>C on the coding strand, the complement: HSPG2 is on the minus strand). VCF-style: chr1-21844159-C-G. GRCh37 (hg19) VCF-style: chr1-22170652-C-G.
Other names: c.8608G>C, p.Ala2870Pro (NM_001291860.2); short protein forms A2869P, A2870P.
Identifiers: ClinVar variation 284843 (VCV000284843.31), dbSNP rs139838884, ClinGen allele CA670729.